The following is an entry in ClinVar:

NM_001018115.3(FANCD2):c.376A>G (p.Ser126Gly)

Genes: FANCD2 (FA complementation group D2; plus strand), LOC107303338 (3p25 FANCD2 Alu-mediated recombination region; plus strand). Cytogenetic location: 3p25.3.
Variant type: single nucleotide variant.
Coding change: c.376A>G on transcript NM_001018115.3 (MANE Select); coding-DNA position 376, A replaced by G.
Protein change: p.Ser126Gly; replaces serine 126 with glycine.
Molecular consequence: missense variant.
Genome position (GRCh38, 1-based): chr3:10,034,797, A>G. VCF-style: chr3-10034797-A-G. GRCh37 (hg19) VCF-style: chr3-10076481-A-G.
Other names: 376A-G; c.376A>G, p.Ser126Gly (NM_001319984.2, NM_001374253.1, NM_001374254.1 and 2 more transcripts); c.376A>G (NM_033084.4); short protein forms S126G.
Identifiers: ClinVar variation 929642 (VCV000929642.7), dbSNP rs764507146, ClinGen allele CA2249182.

ClinVar aggregate classification (germline): Pathogenic. Review status: criteria provided, multiple submitters, no conflicts (2 of 4 stars). 5 submissions from 5 submitters: Pathogenic (3). 2 of the submissions do not count toward it. Last evaluated 2025-11-24.

Conditions:
Fanconi anemia complementation group D2. Also called: FANCD2-Related Fanconi Anemia; FANCONI PANCYTOPENIA, TYPE 4; FANCONI ANEMIA, COMPLEMENTATION GROUP D. Identifiers: Orphanet 84, MedGen C3160738, MONDO:0009214, OMIM 227646.
Fanconi anemia (FA). Also called: Fanconi's anemia. Identifiers: Orphanet 84, MedGen C0015625, MeSH D005199, MONDO:0019391.

Allele frequency attached by ClinVar (database versions not stated): ExAC below 0.00001; gnomAD exomes below 0.00001; gnomAD 0.00001; TOPMed 0.00001.
gnomAD v4.1: 6 of 1,550,622 alleles (0.00039%); highest among the groups gnomAD compares: Admixed American, 0.002%; no homozygotes.

Submissions (5):

Labcorp Genetics (formerly Invitae), Labcorp
Classification: Pathogenic for Fanconi anemia. Last evaluated: 2025-11-24. Review status: criteria provided, single submitter. Criteria: Invitae Variant Classification Sherloc (09022015). Collection method: clinical testing. Allele origin: germline.
Comment: This sequence change replaces serine, which is neutral and polar, with glycine, which is neutral and non-polar, at codon 126 of the FANCD2 protein (p.Ser126Gly). RNA analysis indicates that this missense change induces altered splicing and may result in an absent or altered protein product. This variant is not present in population databases (gnomAD no frequency). This missense change has been observed in individual(s) with Fanconi anemia (PMID: 11239453). In at least one individual the data is consistent with being in trans (on the opposite chromosome) from a pathogenic variant. It has also been observed to segregate with disease in related individuals. ClinVar contains an entry for this variant (Variation ID: 929642). An algorithm developed to predict the effect of missense changes on protein structure and function (PolyPhen-2) suggests that this variant is likely to be disruptive. Studies have shown that this missense change results in retention of 13 nucleotides from intron 5, and produces a non-functional protein and/or introduces a premature termination codon (PMID: 11239453). For these reasons, this variant has been classified as Pathogenic.

Fulgent Genetics
Classification: Pathogenic for Fanconi anemia complementation group D2. Last evaluated: 2024-05-06. Review status: criteria provided, single submitter. Criteria: ACMG Guidelines, 2015. Collection method: clinical testing. Allele origin: germline.

Baylor Genetics
Classification: Pathogenic for Fanconi anemia complementation group D2. Last evaluated: 2024-01-02. Review status: criteria provided, single submitter. Criteria: ACMG Guidelines, 2015. Collection method: clinical testing. Allele origin: unknown.

Leiden Open Variation Database
Classification: Pathogenic for Fanconi anemia complementation group D2. Last evaluated: 2020-02-28. Review status: no assertion criteria provided. Collection method: curation. Allele origin: germline. Affected: yes. Not counted in ClinVar's aggregate classification.
Comment: Curator: Arleen D. Auerbach. Submitter to LOVD: Arleen D. Auerbach.

OMIM
Classification: Pathogenic for FANCONI ANEMIA, COMPLEMENTATION GROUP D2. Last evaluated: 2001-02-01. Review status: no assertion criteria provided. Collection method: literature only. Allele origin: germline. Not counted in ClinVar's aggregate classification.

Literature cited by the submitters: PubMed 11239453 (cited by 3 submitters); PubMed 17436244 (cited by Leiden Open Variation Database).